The following is an entry in ClinVar:

ClinVar aggregate classification (germline): Uncertain significance (1 of 4 stars; one submission).

Submission:

Labcorp Genetics (formerly Invitae), Labcorp
Classification: Uncertain significance. Last evaluated: 2024-02-05. Review status: criteria provided, single submitter. Criteria: Invitae Variant Classification Sherloc (09022015). Collection method: clinical testing. Allele origin: germline.
Comment: This sequence change replaces proline, which is neutral and non-polar, with leucine, which is neutral and non-polar, at codon 302 of the TNFRSF11A protein (p.Pro302Leu). This variant is not present in population databases (gnomAD no frequency). This variant has not been reported in the literature in individuals affected with TNFRSF11A-related conditions. Algorithms developed to predict the effect of missense changes on protein structure and function output the following: SIFT: "Not Available"; PolyPhen-2: "Benign"; Align-GVGD: "Not Available". The leucine amino acid residue is found in multiple mammalian species, which suggests that this missense change does not adversely affect protein function. In summary, the available evidence is currently insufficient to determine the role of this variant in disease. Therefore, it has been classified as a Variant of Uncertain Significance.

NM_003839.4(TNFRSF11A):c.905C>T (p.Pro302Leu)

Gene: TNFRSF11A (TNF receptor superfamily member 11a; plus strand). Cytogenetic location: 18q21.33.
Variant type: single nucleotide variant.
Coding change: c.905C>T on transcript NM_003839.4 (MANE Select); coding-DNA position 905, C replaced by T.
Protein change: p.Pro302Leu; replaces proline 302 with leucine.
Molecular consequence: missense variant. On other transcripts: intron variant (3).
Genome position (GRCh38, 1-based): chr18:62,368,822, C>T. VCF-style: chr18-62368822-C-T. GRCh37 (hg19) VCF-style: chr18-60036055-C-T.
Other names: c.863C>T, p.Pro288Leu (NM_001278268.2); c.783+2062C>T (NM_001270949.2); c.730+7029C>T (NM_001270950.2); c.616+8773C>T (NM_001270951.2); short protein forms P302L, P288L.
Identifiers: ClinVar variation 3638891 (VCV003638891.2).
Genomic context (GRCh38, chr18:62,368,822, plus strand): 5'-GTGAAGGTGTCTTACTGCTGACTCTGGAGGAGAAGACATTTCCAGAAGATATGTGCTACC[C>T]AGATCAAGGTGGTGTCTGTCAGGGCACATGTGTAGGAGGTGGTCCCTACGCACAAGGCGA-3'
Protein context (NP_003830.1, residues 292-312): EKTFPEDMCY[Pro302Leu]DQGGVCQGTC